The following is an entry in ClinVar:

NM_000143.4(FH):c.40C>A (p.Leu14Ile)

Gene: FH (fumarate hydratase; minus strand). Cytogenetic location: 1q43.
Variant type: single nucleotide variant.
Coding change: c.40C>A on transcript NM_000143.4 (MANE Select); coding-DNA position 40, C replaced by A.
Protein change: p.Leu14Ile; replaces leucine 14 with isoleucine.
Molecular consequence: missense variant.
Genome position (GRCh38, 1-based): chr1:241,519,683, G>T on the plus strand (C>A on the coding strand, the complement: FH is on the minus strand). VCF-style: chr1-241519683-G-T. GRCh37 (hg19) VCF-style: chr1-241682983-G-T.
Other names: short protein forms L14I.
Identifiers: ClinVar variation 3515070 (VCV003515070.3).

ClinVar aggregate classification (germline): Uncertain significance. Review status: criteria provided, multiple submitters, no conflicts (2 of 4 stars). 2 submissions from 2 submitters: Uncertain significance (2). Last evaluated 2024-11-21.

Conditions:
Hereditary cancer-predisposing syndrome. Also called: Tumor predisposition; Neoplastic Syndromes, Hereditary; Hereditary Cancer Syndrome; Hereditary neoplastic syndrome. Identifiers: Orphanet 140162, MedGen C0027672, MeSH D009386, MONDO:0015356.

Submissions (2):

Ambry Genetics
Classification: Uncertain significance for Hereditary cancer-predisposing syndrome. Last evaluated: 2024-11-21. Review status: criteria provided, single submitter. Criteria: Ambry Variant Classification Scheme 2023. Collection method: clinical testing. Allele origin: germline.
Comment: The p.L14I variant (also known as c.40C>A), located in coding exon 1 of the FH gene, results from a C to A substitution at nucleotide position 40. The leucine at codon 14 is replaced by isoleucine, an amino acid with highly similar properties. This amino acid position is conserved. In addition, the in silico prediction for this alteration is inconclusive. Based on the available evidence, the clinical significance of this variant remains unclear.

Labcorp Genetics (formerly Invitae), Labcorp
Classification: Uncertain significance. Last evaluated: 2024-03-01. Review status: criteria provided, single submitter. Criteria: Invitae Variant Classification Sherloc (09022015). Collection method: clinical testing. Allele origin: germline.
Comment: This sequence change replaces leucine, which is neutral and non-polar, with isoleucine, which is neutral and non-polar, at codon 14 of the FH protein (p.Leu14Ile). This variant is not present in population databases (gnomAD no frequency). This variant has not been reported in the literature in individuals affected with FH-related conditions. Advanced modeling of protein sequence and biophysical properties (such as structural, functional, and spatial information, amino acid conservation, physicochemical variation, residue mobility, and thermodynamic stability) performed at Invitae indicates that this missense variant is not expected to disrupt FH protein function with a negative predictive value of 95%. In summary, the available evidence is currently insufficient to determine the role of this variant in disease. Therefore, it has been classified as a Variant of Uncertain Significance.